The following is an entry in ClinVar:

ClinVar aggregate classification (germline): Uncertain significance (1 of 4 stars; one submission).

Conditions:
Developmental and epileptic encephalopathy, 11 (DEE11). Also called: Early infantile epileptic encephalopathy 11. Identifiers: Orphanet 1934, MedGen C3150987, MONDO:0013388, OMIM 613721.
Seizures, benign familial infantile, 3 (BFIS3). Also called: CONVULSIONS, BENIGN FAMILIAL INFANTILE, 3; Familial neonatal seizures. Identifiers: Orphanet 140927, Orphanet 306, MedGen C1843140, MONDO:0011904, OMIM 607745.

Submission:

Labcorp Genetics (formerly Invitae), Labcorp
Classification: Uncertain significance for Seizures, benign familial infantile, 3; Developmental and epileptic encephalopathy, 11. Last evaluated: 2021-03-30. Review status: criteria provided, single submitter. Criteria: Invitae Variant Classification Sherloc (09022015). Collection method: clinical testing. Allele origin: germline.
Comment: Algorithms developed to predict the effect of missense changes on protein structure and function are either unavailable or do not agree on the potential impact of this missense change (SIFT: "Deleterious"; PolyPhen-2: "Probably Damaging"; Align-GVGD: "Class C0"). In summary, the available evidence is currently insufficient to determine the role of this variant in disease. Therefore, it has been classified as a Variant of Uncertain Significance. This sequence change replaces alanine with serine at codon 896 of the SCN2A protein (p.Ala896Ser). The alanine residue is highly conserved and there is a moderate physicochemical difference between alanine and serine. This variant is not present in population databases (ExAC no frequency). This variant has not been reported in the literature in individuals with SCN2A-related conditions.

NM_001040142.2(SCN2A):c.2686G>T (p.Ala896Ser)

Gene: SCN2A (sodium voltage-gated channel alpha subunit 2; plus strand). Cytogenetic location: 2q24.3.
Variant type: single nucleotide variant.
Coding change: c.2686G>T on transcript NM_001040142.2 (MANE Select); coding-DNA position 2686, G replaced by T.
Protein change: p.Ala896Ser; replaces alanine 896 with serine.
Molecular consequence: missense variant.
Genome position (GRCh38, 1-based): chr2:165,344,678, G>T. VCF-style: chr2-165344678-G-T. GRCh37 (hg19) VCF-style: chr2-166201188-G-T.
Other names: c.2686G>T, p.Ala896Ser (NM_001040143.2, NM_001371246.1, NM_001371247.1 and 1 more transcripts); short protein forms A896S.
Identifiers: ClinVar variation 1486245 (VCV001486245.8), dbSNP rs2105318845, ClinGen allele CA349014439.
Genomic context (GRCh38, chr2:165,344,678, plus strand): 5'-AATTCTGTGGGGGCTCTAGGAAACCTCACCTTGGTATTGGCCATCATCGTCTTCATTTTT[G>T]CTGTGGTCGGCATGCAGCTCTTTGGTAAGAGCTACAAAGAATGTGTCTGCAAGATTTCCA-3'
Protein context (NP_001035232.1, residues 886-906): LVLAIIVFIF[Ala896Ser]VVGMQLFGKS